The following is an entry in ClinVar:

ClinVar aggregate classification (germline): Uncertain significance (1 of 4 stars; one submission).

Conditions:
ALG12-congenital disorder of glycosylation (CDG1G). Also called: ALG12-CDG; Congenital disorder of glycosylation, type Ig; CDG Ig. Identifiers: Orphanet 79324, MedGen C2931001, MONDO:0011783, OMIM 607143.

Submission:

Labcorp Genetics (formerly Invitae), Labcorp
Classification: Uncertain significance for ALG12-congenital disorder of glycosylation. Last evaluated: 2022-08-03. Review status: criteria provided, single submitter. Criteria: Invitae Variant Classification Sherloc (09022015). Collection method: clinical testing. Allele origin: germline.
Comment: In summary, the available evidence is currently insufficient to determine the role of this variant in disease. Therefore, it has been classified as a Variant of Uncertain Significance. Algorithms developed to predict the effect of missense changes on protein structure and function are either unavailable or do not agree on the potential impact of this missense change (SIFT: "Tolerated"; PolyPhen-2: "Probably Damaging"; Align-GVGD: "Class C0"). This variant has not been reported in the literature in individuals affected with ALG12-related conditions. This variant is not present in population databases (gnomAD no frequency). This sequence change replaces leucine, which is neutral and non-polar, with valine, which is neutral and non-polar, at codon 158 of the ALG12 protein (p.Leu158Val).

NM_024105.4(ALG12):c.472C>G (p.Leu158Val)

Gene: ALG12 (ALG12 alpha-1,6-mannosyltransferase; minus strand). Cytogenetic location: 22q13.33.
Variant type: single nucleotide variant.
Coding change: c.472C>G on transcript NM_024105.4 (MANE Select); coding-DNA position 472, C replaced by G.
Protein change: p.Leu158Val; replaces leucine 158 with valine.
Molecular consequence: missense variant.
Genome position (GRCh38, 1-based): chr22:49,910,086, G>C on the plus strand (C>G on the coding strand, the complement: ALG12 is on the minus strand). VCF-style: chr22-49910086-G-C. GRCh37 (hg19) VCF-style: chr22-50303734-G-C.
Other names: short protein forms L158V.
Identifiers: ClinVar variation 1714968 (VCV001714968.5), dbSNP rs2519268382, ClinGen allele CA412075887.